The following is an entry in ClinVar:

ClinVar aggregate classification (germline): Likely pathogenic (1 of 4 stars; one submission).

Conditions:
Cone-rod dystrophy 6 (CORD6). Also called: RETINAL CONE DYSTROPHY 2; Cone dystrophy progressive. Identifiers: Orphanet 1872, MedGen C1866293, MONDO:0011143, OMIM 601777.
Leber congenital amaurosis 1 (LCA1). Also called: RETINAL BLINDNESS, CONGENITAL; Congenital absence of the rods and cones; Leber's congenital tapetoretinal degeneration; Leber's congenital tapetoretinal dysplasia; AMAUROSIS CONGENITA OF LEBER I. Identifiers: Orphanet 65, MedGen C2931258, MONDO:0008764, OMIM 204000.

Submission:

Labcorp Genetics (formerly Invitae), Labcorp
Classification: Likely pathogenic for Leber congenital amaurosis 1; Cone-rod dystrophy 6. Last evaluated: 2023-10-17. Review status: criteria provided, single submitter. Criteria: Invitae Variant Classification Sherloc (09022015). Collection method: clinical testing. Allele origin: germline.
Comment: This variant results in the deletion of part of exon 15 (c.2770-34_2925del) of the GUCY2D gene. It is expected to disrupt RNA splicing. Variants that disrupt the donor or acceptor splice site typically lead to a loss of protein function (PMID: 16199547), and loss-of-function variants in GUCY2D are known to be pathogenic (PMID: 10951519, 11328726). This variant is not present in population databases (gnomAD no frequency). This variant has not been reported in the literature in individuals affected with GUCY2D-related conditions. In summary, the currently available evidence indicates that the variant is pathogenic, but additional data are needed to prove that conclusively. Therefore, this variant has been classified as Likely Pathogenic.

Literature cited by the submitters: PubMed 16199547; PubMed 10951519; PubMed 11328726.

NM_000180.4(GUCY2D):c.2770-34_2925del

Gene: GUCY2D (guanylate cyclase 2D, retinal; plus strand). Cytogenetic location: 17p13.1.
Variant type: Deletion.
Coding change: c.2770-34_2925del on transcript NM_000180.4 (MANE Select); 34 bases into the intron before coding-DNA position 2770 through coding-DNA position 2925, 190 bases deleted.
Molecular consequence: splice acceptor variant.
Genome position (GRCh38, 1-based): chr17:8,015,294-8,015,483, 190 bases deleted. GRCh37 (hg19): chr17:7,918,612-7,918,801.
Identifiers: ClinVar variation 2953027 (VCV002953027.3), dbSNP rs2545426712, ClinGen allele CA2740095253.